The following is an entry in ClinVar:

NM_052947.4(ALPK2):c.5287A>G (p.Thr1763Ala)

Genes: ALPK2 (alpha kinase 2; minus strand), LOC130062577 (ATAC-STARR-seq lymphoblastoid active region 13389; plus strand). Cytogenetic location: 18q21.31.
Variant type: single nucleotide variant.
Coding change: c.5287A>G on transcript NM_052947.4 (MANE Select); coding-DNA position 5287, A replaced by G.
Protein change: p.Thr1763Ala; replaces threonine 1763 with alanine.
Molecular consequence: missense variant.
Genome position (GRCh38, 1-based): chr18:58,534,900, T>C on the plus strand (A>G on the coding strand, the complement: ALPK2 is on the minus strand). VCF-style: chr18-58534900-T-C. GRCh37 (hg19) VCF-style: chr18-56202132-T-C.
Other names: short protein forms T1763A.
Identifiers: ClinVar variation 3228792 (VCV003228792.1), dbSNP rs2518873175, ClinGen allele CA402557202.

ClinVar aggregate classification (germline): Uncertain significance (1 of 4 stars; one submission).

Submission:

Ambry Genetics
Classification: Uncertain significance. Last evaluated: 2024-02-23. Review status: criteria provided, single submitter. Criteria: Ambry Variant Classification Scheme 2023. Collection method: clinical testing. Allele origin: germline.
Comment: The p.T1763A variant (also known as c.5287A>G), located in coding exon 4 of the ALPK2 gene, results from an A to G substitution at nucleotide position 5287. The threonine at codon 1763 is replaced by alanine, an amino acid with similar properties. This amino acid position is conserved. In addition, this alteration is predicted to be tolerated by in silico analysis. Based on the available evidence, the clinical significance of this alteration remains unclear.